The following is an entry in ClinVar:

ClinVar aggregate classification (germline): Uncertain significance (1 of 4 stars; one submission).

gnomAD v4.1: 823 of 1,614,198 alleles (0.051%); highest among the groups gnomAD compares: Middle Eastern, 0.66%; no homozygotes.

Submission:

Mayo Clinic Laboratories, Mayo Clinic
Classification: Uncertain significance. Last evaluated: 2025-01-21. Review status: criteria provided, single submitter. Criteria: ACMG Guidelines, 2015. Collection method: clinical testing. Allele origin: germline. Observed: 2 variant alleles.
Comment: PM2_supporting

Literature cited by the submitters: PubMed 32041611.

NM_001321142.2(CIDEC):c.481G>A (p.Val161Met)

Gene: CIDEC (cell death inducing DFFA like effector c; minus strand). Cytogenetic location: 3p25.3.
Variant type: single nucleotide variant.
Coding change: c.481G>A on transcript NM_001321142.2 (MANE Select); coding-DNA position 481, G replaced by A.
Protein change: p.Val161Met; replaces valine 161 with methionine.
Molecular consequence: missense variant.
Genome position (GRCh38, 1-based): chr3:9,869,955, C>T on the plus strand (G>A on the coding strand, the complement: CIDEC is on the minus strand). VCF-style: chr3-9869955-C-T. GRCh37 (hg19) VCF-style: chr3-9911639-C-T.
Other names: p.Val174Met; c.481G>A, p.Val161Met (NM_022094.3, NM_001199552.2, NM_001378491.1); c.511G>A, p.Val171Met (NM_001199551.2); c.520G>A, p.Val174Met (NM_001199623.2); c.259G>A, p.Val87Met (NM_001321143.2, NM_001321144.2); short protein forms V171M, V174M, V161M, V87M.
Identifiers: ClinVar variation 4540838 (VCV004540838.1).
Genomic context (GRCh38, chr3:9,869,955, plus strand): 5'-TGGCCCCACAGCAGTGCAGATCATAGGAAAGGGAGTATGTATCATAAAAAGTCGCCTTCA[C>T]GTTCAGGCAGCCAATGAAGTCCTGTGGGTTCAGCTTGTACAGATCAAACGTTACACGGGC-3'
Protein context (NP_001308071.1, residues 151-171): NPQDFIGCLN[Val161Met]KATFYDTYSL